The following is an entry in ClinVar:

ClinVar aggregate classification (germline): Likely pathogenic (1 of 4 stars; one submission).

Conditions:
Seizures, benign familial infantile, 3 (BFIS3). Also called: CONVULSIONS, BENIGN FAMILIAL INFANTILE, 3; Familial neonatal seizures. Identifiers: Orphanet 140927, Orphanet 306, MedGen C1843140, MONDO:0011904, OMIM 607745.
Developmental and epileptic encephalopathy, 11 (DEE11). Also called: Early infantile epileptic encephalopathy 11. Identifiers: Orphanet 1934, MedGen C3150987, MONDO:0013388, OMIM 613721.

Submission:

Labcorp Genetics (formerly Invitae), Labcorp
Classification: Likely pathogenic for Seizures, benign familial infantile, 3; Developmental and epileptic encephalopathy, 11. Last evaluated: 2023-01-13. Review status: criteria provided, single submitter. Criteria: Invitae Variant Classification Sherloc (09022015). Collection method: clinical testing. Allele origin: germline.
Comment: This missense change has been observed in individual(s) with clinical features of SCN2A-related conditions (Invitae). This variant is not present in population databases (gnomAD no frequency). This sequence change replaces glutamine, which is neutral and polar, with histidine, which is basic and polar, at codon 1478 of the SCN2A protein (p.Gln1478His). Advanced modeling of protein sequence and biophysical properties (such as structural, functional, and spatial information, amino acid conservation, physicochemical variation, residue mobility, and thermodynamic stability) performed at Invitae indicates that this missense variant is expected to disrupt SCN2A protein function. This variant disrupts the p.Gln1478 amino acid residue in SCN2A. Other variant(s) that disrupt this residue have been determined to be pathogenic (Invitae). This suggests that this residue is clinically significant, and that variants that disrupt this residue are likely to be disease-causing. In summary, the currently available evidence indicates that the variant is pathogenic, but additional data are needed to prove that conclusively. Therefore, this variant has been classified as Likely Pathogenic.

NM_001040142.2(SCN2A):c.4434A>C (p.Gln1478His)

Gene: SCN2A (sodium voltage-gated channel alpha subunit 2; plus strand). Cytogenetic location: 2q24.3.
Variant type: single nucleotide variant.
Coding change: c.4434A>C on transcript NM_001040142.2 (MANE Select); coding-DNA position 4434, A replaced by C.
Protein change: p.Gln1478His; replaces glutamine 1478 with histidine.
Molecular consequence: missense variant.
Genome position (GRCh38, 1-based): chr2:165,380,717, A>C. VCF-style: chr2-165380717-A-C. GRCh37 (hg19) VCF-style: chr2-166237227-A-C.
Other names: c.4434A>C, p.Gln1478His (NM_001040143.2, NM_001371246.1, NM_001371247.1 and 1 more transcripts); short protein forms Q1478H.
Identifiers: ClinVar variation 2941718 (VCV002941718.3), dbSNP rs2468126706, ClinGen allele CA349034341.